The following is an entry in ClinVar:

NM_002691.4(POLD1):c.1243-5C>A

Gene: POLD1 (DNA polymerase delta 1, catalytic subunit; plus strand). Cytogenetic location: 19q13.33.
Variant type: single nucleotide variant.
Coding change: c.1243-5C>A on transcript NM_002691.4 (MANE Select); 5 bases into the intron before coding-DNA position 1243, C replaced by A.
Molecular consequence: intron variant.
Genome position (GRCh38, 1-based): chr19:50,406,177, C>A. VCF-style: chr19-50406177-C-A. GRCh37 (hg19) VCF-style: chr19-50909434-C-A.
Other names: c.1243-5C>A (NM_001256849.1, NM_001308632.1).
Identifiers: ClinVar variation 2133970 (VCV002133970.4), dbSNP rs2513990577, ClinGen allele CA2580097607.

ClinVar aggregate classification (germline): Uncertain significance (1 of 4 stars; one submission).

Conditions:
POLD1-related polyposis and colorectal cancer syndrome (CRCS10). Also called: Colorectal cancer 10; COLORECTAL CANCER, SUSCEPTIBILITY TO, ON CHROMOSOME 19q; Colorectal cancer, susceptibility to, 10. Identifiers: Orphanet 220460, MedGen C2675481, MONDO:0012953, OMIM 612591.

Submission:

Labcorp Genetics (formerly Invitae), Labcorp
Classification: Uncertain significance for POLD1-related polyposis and colorectal cancer syndrome. Last evaluated: 2022-05-05. Review status: criteria provided, single submitter. Criteria: Invitae Variant Classification Sherloc (09022015). Collection method: clinical testing. Allele origin: germline.
Comment: In summary, the available evidence is currently insufficient to determine the role of this variant in disease. Therefore, it has been classified as a Variant of Uncertain Significance. Algorithms developed to predict the effect of sequence changes on RNA splicing suggest that this variant may create or strengthen a splice site. This variant has not been reported in the literature in individuals affected with POLD1-related conditions. This variant is not present in population databases (gnomAD no frequency). This sequence change falls in intron 10 of the POLD1 gene. It does not directly change the encoded amino acid sequence of the POLD1 protein.